The following is an entry in ClinVar:

ClinVar aggregate classification (germline): Uncertain significance (1 of 4 stars; one submission).

Allele frequency attached by ClinVar (database versions not stated): TOPMed below 0.00001; ExAC 0.00001; gnomAD 0.00001; gnomAD exomes 0.00001; ESP Exome Variant Server 0.00008.
gnomAD v4.1: 15 of 1,614,012 alleles (0.00093%); highest among the groups gnomAD compares: Non-Finnish European, 0.0013%; no homozygotes.

Submission:

Labcorp Genetics (formerly Invitae), Labcorp
Classification: Uncertain significance. Last evaluated: 2022-08-13. Review status: criteria provided, single submitter. Criteria: Invitae Variant Classification Sherloc (09022015). Collection method: clinical testing. Allele origin: germline.
Comment: This sequence change replaces isoleucine, which is neutral and non-polar, with methionine, which is neutral and non-polar, at codon 260 of the CCDC88A protein (p.Ile260Met). This variant is present in population databases (rs374353145, gnomAD 0.002%). This variant has not been reported in the literature in individuals affected with CCDC88A-related conditions. Algorithms developed to predict the effect of missense changes on protein structure and function (SIFT, PolyPhen-2, Align-GVGD) all suggest that this variant is likely to be tolerated. In summary, the available evidence is currently insufficient to determine the role of this variant in disease. Therefore, it has been classified as a Variant of Uncertain Significance.

NM_001365480.1(CCDC88A):c.780A>G (p.Ile260Met)

Gene: CCDC88A (coiled-coil domain containing 88A; minus strand). Cytogenetic location: 2p16.1.
Variant type: single nucleotide variant.
Coding change: c.780A>G on transcript NM_001365480.1 (MANE Select); coding-DNA position 780, A replaced by G.
Protein change: p.Ile260Met; replaces isoleucine 260 with methionine.
Molecular consequence: missense variant.
Genome position (GRCh38, 1-based): chr2:55,355,599, T>C on the plus strand (A>G on the coding strand, the complement: CCDC88A is on the minus strand). VCF-style: chr2-55355599-T-C. GRCh37 (hg19) VCF-style: chr2-55582735-T-C.
Other names: c.780A>G, p.Ile260Met (NM_001135597.2, NM_001254943.2, NM_018084.5); short protein forms I260M.
Identifiers: ClinVar variation 1930616 (VCV001930616.2), dbSNP rs374353145, ClinGen allele CA1666298.